The following is an entry in ClinVar:

NM_006080.3(SEMA3A):c.2257A>C (p.Asn753His)

Gene: SEMA3A (semaphorin 3A; minus strand). Cytogenetic location: 7q21.11.
Variant type: single nucleotide variant.
Coding change: c.2257A>C on transcript NM_006080.3 (MANE Select); coding-DNA position 2257, A replaced by C.
Protein change: p.Asn753His; replaces asparagine 753 with histidine.
Molecular consequence: missense variant.
Genome position (GRCh38, 1-based): chr7:83,961,430, T>G on the plus strand (A>C on the coding strand, the complement: SEMA3A is on the minus strand). VCF-style: chr7-83961430-T-G. GRCh37 (hg19) VCF-style: chr7-83590746-T-G.
Other names: short protein forms N753H.
Identifiers: ClinVar variation 1941145 (VCV001941145.5), dbSNP rs767122031, ClinGen allele CA4322518.
Genomic context (GRCh38, chr7:83,961,430, plus strand): 5'-CTCAGACACTCCTGGGTGCCCTCTCAAATTCGTGGGTCCTCCTGTTTCTACCTTTCTTAT[T>G]TTCTTGTAAGTGCTTCCATTTGTTACTGTTCCCTGGGGTATGTCCTGGCCTTTGCCGACG-3'
Protein context (NP_006071.1, residues 743-763): NSNKWKHLQE[Asn753His]KKGRNRRTHE

ClinVar aggregate classification (germline): Uncertain significance (1 of 4 stars; one submission).

Allele frequency attached by ClinVar (database versions not stated): ExAC 0.00001.
gnomAD v4.1: 3 of 1,613,978 alleles (0.00019%); highest among the groups gnomAD compares: Non-Finnish European, 0.00017%; no homozygotes.

Submission:

Labcorp Genetics (formerly Invitae), Labcorp
Classification: Uncertain significance. Last evaluated: 2022-09-06. Review status: criteria provided, single submitter. Criteria: Invitae Variant Classification Sherloc (09022015). Collection method: clinical testing. Allele origin: germline.
Comment: This sequence change replaces asparagine, which is neutral and polar, with histidine, which is basic and polar, at codon 753 of the SEMA3A protein (p.Asn753His). This variant is present in population databases (rs767122031, gnomAD 0.004%). This variant has not been reported in the literature in individuals affected with SEMA3A-related conditions. Algorithms developed to predict the effect of missense changes on protein structure and function are either unavailable or do not agree on the potential impact of this missense change (SIFT: "Deleterious"; PolyPhen-2: "Benign"; Align-GVGD: "Class C0"). In summary, the available evidence is currently insufficient to determine the role of this variant in disease. Therefore, it has been classified as a Variant of Uncertain Significance.